The following is an entry in ClinVar:

ClinVar aggregate classification (germline): Uncertain significance (1 of 4 stars; one submission).

Conditions:
MAGEL2-related disorder. Also called: MAGEL2-related condition.

gnomAD v4.1: 1 of 1,470,944 alleles (0.000068%); highest among the groups gnomAD compares: Non-Finnish European, 0.000089%; no homozygotes.

Submission:

PreventionGenetics, part of Exact Sciences
Classification: Uncertain significance for MAGEL2-related condition. Last evaluated: 2026-01-02. Review status: criteria provided, single submitter. Criteria: ACMG Guidelines, 2015. Collection method: clinical testing. Allele origin: germline.
Comment: The MAGEL2 c.25G>A variant is predicted to result in the amino acid substitution p.Gly9Ser. To our knowledge, this variant has not been reported in the literature or in a large population database (gnomAD), indicating this variant is rare. At this time, the clinical significance of this variant is uncertain due to the absence of conclusive functional and genetic evidence.

NM_019066.5(MAGEL2):c.25G>A (p.Gly9Ser)

Gene: MAGEL2 (MAGE family member L2; minus strand). Cytogenetic location: 15q11.2.
Variant type: single nucleotide variant.
Coding change: c.25G>A on transcript NM_019066.5 (MANE Select); coding-DNA position 25, G replaced by A.
Protein change: p.Gly9Ser; replaces glycine 9 with serine.
Molecular consequence: missense variant.
Genome position (GRCh38, 1-based): chr15:23,647,718, C>T on the plus strand (G>A on the coding strand, the complement: MAGEL2 is on the minus strand). VCF-style: chr15-23647718-C-T. GRCh37 (hg19) VCF-style: chr15-23892865-C-T.
Other names: short protein forms G9S.
Identifiers: ClinVar variation 4982908 (VCV004982908.1).